The following is an entry in ClinVar:

ClinVar aggregate classification (germline): Likely benign. Review status: criteria provided, multiple submitters, no conflicts (2 of 4 stars). 2 submissions from 2 submitters: Likely benign (2). Last evaluated 2023-12-01.

Allele frequency attached by ClinVar (database versions not stated): gnomAD 0.00001; TOPMed 0.00001; ExAC 0.00002; gnomAD exomes 0.00002; ESP Exome Variant Server 0.00008; 1000 Genomes Project 30x 0.00016; 1000 Genomes Project 0.00020.
gnomAD v4.1: 38 of 1,613,770 alleles (0.0024%); highest among the groups gnomAD compares: East Asian, 0.0045%; no homozygotes.

Submissions (2):

CeGaT Center for Human Genetics Tuebingen
Classification: Likely benign. Last evaluated: 2023-12-01. Review status: criteria provided, single submitter. Criteria: CeGaT Center For Human Genetics Tuebingen Variant Classification Criteria Version 2. Collection method: clinical testing. Allele origin: germline. Affected: yes. Observed: 2 variant alleles.
Comment: CUX1: BP4, BP7

Blueprint Genetics
Classification: Likely benign. Last evaluated: 2023-06-27. Review status: criteria provided, single submitter. Criteria: ACMG Guidelines, 2015. Collection method: clinical testing. Allele origin: germline.

NM_181552.4(CUX1):c.3387C>T (p.Tyr1129=)

Gene: CUX1 (cut like homeobox 1; plus strand). Cytogenetic location: 7q22.1.
Variant type: single nucleotide variant.
Coding change: c.3387C>T on transcript NM_181552.4 (MANE Select); coding-DNA position 3387, C replaced by T.
Protein change: p.Tyr1129=; no amino-acid change (tyrosine 1129 retained).
Molecular consequence: synonymous variant. On other transcripts: intron variant (5).
Genome position (GRCh38, 1-based): chr7:102,227,623, C>T. VCF-style: chr7-102227623-C-T. GRCh37 (hg19) VCF-style: chr7-101870903-C-T.
Other names: c.3420C>T, p.Tyr1140= (NM_001202543.2); c.1255+32020C>T (NM_001913.5); c.1249+32020C>T (NM_181500.4); c.1117+32020C>T (NM_001202545.3); c.1207+32020C>T (NM_001202544.3); c.1138+32020C>T (NM_001202546.3).
Identifiers: ClinVar variation 2657872 (VCV002657872.25), dbSNP rs140452370, ClinGen allele CA4411321.